The following is an entry in ClinVar:

NM_000157.4(GBA1):c.1260G>A (p.Trp420Ter)

Genes: GBA1 (glucosylceramidase beta 1; minus strand), LOC106627981 (GBA recombination region; plus strand). Cytogenetic location: 1q22.
Variant type: single nucleotide variant.
Coding change: c.1260G>A on transcript NM_000157.4 (MANE Select); coding-DNA position 1260, G replaced by A.
Protein change: p.Trp420Ter; replaces tryptophan 420 with a stop codon.
Molecular consequence: nonsense.
Genome position (GRCh38, 1-based): chr1:155,235,809, C>T on the plus strand (G>A on the coding strand, the complement: GBA1 is on the minus strand). VCF-style: chr1-155235809-C-T. GRCh37 (hg19) VCF-style: chr1-155205600-C-T.
Other names: c.1260G>A (NM_000157.3); c.1260G>A, p.Trp420Ter (NM_001005741.3, NM_001005742.3); c.999G>A, p.Trp333Ter (NM_001171811.2); c.1113G>A, p.Trp371Ter (NM_001171812.2); short protein forms W333*, W371*, W420*.
Identifiers: ClinVar variation 2436490 (VCV002436490.4), dbSNP rs2524820366, ClinGen allele CA342713813.

ClinVar aggregate classification (germline): Pathogenic. Review status: criteria provided, multiple submitters, no conflicts (2 of 4 stars). 2 submissions from 2 submitters: Pathogenic (2). Last evaluated 2025-04-07.

Conditions:
Gaucher disease. Also called: Acute cerebral Gaucher disease; Cerebroside lipidosis syndrome; Gaucher splenomegaly; Sphingolipidosis 1; Glucocerebrosidosis; Glucosylceramidase deficiency. Identifiers: Orphanet 355, MedGen C0017205, MONDO:0018150.

Submissions (2):

Natera, Inc.
Classification: Pathogenic for Gaucher disease. Last evaluated: 2025-04-07. Review status: criteria provided, single submitter. Criteria: Natera Variant Classification Schema (03/2026). Collection method: clinical testing. Allele origin: germline.
Comment: The c.1260G>A variant in GBA1 is a nonsense variant predicted to introduce a stop codon at amino acid 420. This variant is expected to result in nonsense mediated decay, truncation, or a dysfunctional protein product. This variant is rare in the general population with a frequency below the threshold expected for the associated phenotype(s). This variant has been observed in one or more individuals affected with the associated recessive disease, as either homozygous or compound heterozygous with a second variant (PMID: 12667990). Given the available evidence, this variant is classified as Pathogenic.

Revvity Omics, Revvity
Classification: Pathogenic. Last evaluated: 2022-12-20. Review status: criteria provided, single submitter. Criteria: ACMG Guidelines, 2015. Collection method: clinical testing. Allele origin: germline.

Literature cited by the submitters: PubMed 12667990 (cited by Natera, Inc.).